The following is an entry in ClinVar:

ClinVar aggregate classification (germline): Uncertain significance. Review status: criteria provided, multiple submitters, no conflicts (2 of 4 stars). 2 submissions from 2 submitters: Uncertain significance (2). Last evaluated 2023-12-05.

Conditions:
Hereditary cancer-predisposing syndrome. Also called: Neoplastic Syndromes, Hereditary; Tumor predisposition; Hereditary neoplastic syndrome; Hereditary Cancer Syndrome. Identifiers: Orphanet 140162, MedGen C0027672, MeSH D009386, MONDO:0015356.
Bloom syndrome (BLM). Also called: Bloom-Torre-Machacek syndrome. Identifiers: Orphanet 125, MedGen C0005859, MONDO:0008876, OMIM 210900.

Submissions (2):

Labcorp Genetics (formerly Invitae), Labcorp
Classification: Uncertain significance for Bloom syndrome. Last evaluated: 2023-12-05. Review status: criteria provided, single submitter. Criteria: Invitae Variant Classification Sherloc (09022015). Collection method: clinical testing. Allele origin: germline.
Comment: This sequence change replaces phenylalanine, which is neutral and non-polar, with valine, which is neutral and non-polar, at codon 792 of the BLM protein (p.Phe792Val). This variant is not present in population databases (gnomAD no frequency). This variant has not been reported in the literature in individuals affected with BLM-related conditions. ClinVar contains an entry for this variant (Variation ID: 663303). Advanced modeling of protein sequence and biophysical properties (such as structural, functional, and spatial information, amino acid conservation, physicochemical variation, residue mobility, and thermodynamic stability) performed at Invitae indicates that this missense variant is not expected to disrupt BLM protein function with a negative predictive value of 80%. In summary, the available evidence is currently insufficient to determine the role of this variant in disease. Therefore, it has been classified as a Variant of Uncertain Significance.

Ambry Genetics
Classification: Uncertain significance for Hereditary cancer-predisposing syndrome. Last evaluated: 2021-08-18. Review status: criteria provided, single submitter. Criteria: Ambry Variant Classification Scheme 2023. Collection method: clinical testing. Allele origin: germline.
Comment: The p.F792V variant (also known as c.2374T>G), located in coding exon 10 of the BLM gene, results from a T to G substitution at nucleotide position 2374. The phenylalanine at codon 792 is replaced by valine, an amino acid with highly similar properties. This amino acid position is conserved. In addition, the in silico prediction for this alteration is inconclusive. Since supporting evidence is limited at this time, the clinical significance of this alteration remains unclear.

NM_000057.4(BLM):c.2374T>G (p.Phe792Val)

Gene: BLM (BLM RecQ like helicase; plus strand). Cytogenetic location: 15q26.1.
Variant type: single nucleotide variant.
Coding change: c.2374T>G on transcript NM_000057.4 (MANE Select); coding-DNA position 2374, T replaced by G.
Protein change: p.Phe792Val; replaces phenylalanine 792 with valine.
Molecular consequence: missense variant.
Genome position (GRCh38, 1-based): chr15:90,769,199, T>G. VCF-style: chr15-90769199-T-G. GRCh37 (hg19) VCF-style: chr15-91312429-T-G.
Other names: c.2374T>G, p.Phe792Val (NM_001287246.2, NM_001287247.2); c.1249T>G, p.Phe417Val (NM_001287248.2); short protein forms F792V, F417V.
Identifiers: ClinVar variation 663303 (VCV000663303.13), dbSNP rs982156188, ClinGen allele CA274743258.